The following is an entry in ClinVar:

ClinVar aggregate classification (germline): Uncertain significance (1 of 4 stars; one submission).

Conditions:
Charcot-Marie-Tooth disease type 2E (CMT2E). Also called: CHARCOT-MARIE-TOOTH NEUROPATHY, TYPE 2E; CHARCOT-MARIE-TOOTH DISEASE, AXONAL, TYPE 2E. Identifiers: Orphanet 99939, MedGen C1843225, MONDO:0011894, OMIM 607684.

Submission:

Labcorp Genetics (formerly Invitae), Labcorp
Classification: Uncertain significance for Charcot-Marie-Tooth disease type 2E. Last evaluated: 2019-09-05. Review status: criteria provided, single submitter. Criteria: Invitae Variant Classification Sherloc (09022015). Collection method: clinical testing. Allele origin: germline.
Comment: This sequence change replaces serine with asparagine at codon 282 of the NEFL protein (p.Ser282Asn). The serine residue is highly conserved and there is a small physicochemical difference between serine and asparagine. This variant is not present in population databases (ExAC no frequency). This variant has not been reported in the literature in individuals with NEFL-related conditions. Algorithms developed to predict the effect of missense changes on protein structure and function are either unavailable or do not agree on the potential impact of this missense change (SIFT: "Deleterious"; PolyPhen-2: "Not Available"; Align-GVGD: "Class C0"). In summary, the available evidence is currently insufficient to determine the role of this variant in disease. Therefore, it has been classified as a Variant of Uncertain Significance.

NM_006158.5(NEFL):c.845G>A (p.Ser282Asn)

Gene: NEFL (neurofilament light chain; minus strand). Cytogenetic location: 8p21.2.
Variant type: single nucleotide variant.
Coding change: c.845G>A on transcript NM_006158.5 (MANE Select); coding-DNA position 845, G replaced by A.
Protein change: p.Ser282Asn; replaces serine 282 with asparagine.
Molecular consequence: missense variant.
Genome position (GRCh38, 1-based): chr8:24,955,671, C>T on the plus strand (G>A on the coding strand, the complement: NEFL is on the minus strand). VCF-style: chr8-24955671-C-T. GRCh37 (hg19) VCF-style: chr8-24813185-C-T.
Other names: short protein forms S282N.
Identifiers: ClinVar variation 939590 (VCV000939590.5), dbSNP rs1803037186, ClinGen allele CA370621494.